The following is an entry in ClinVar:

ClinVar aggregate classification (germline): Uncertain significance (1 of 4 stars; one submission).

Conditions:
Bardet-Biedl syndrome (BBS). Identifiers: Orphanet 110, MedGen C0752166, MONDO:0015229.

Submission:

Labcorp Genetics (formerly Invitae), Labcorp
Classification: Uncertain significance for Bardet-Biedl syndrome. Last evaluated: 2022-05-18. Review status: criteria provided, single submitter. Criteria: Invitae Variant Classification Sherloc (09022015). Collection method: clinical testing. Allele origin: germline.
Comment: In summary, the available evidence is currently insufficient to determine the role of this variant in disease. Therefore, it has been classified as a Variant of Uncertain Significance. Algorithms developed to predict the effect of missense changes on protein structure and function are either unavailable or do not agree on the potential impact of this missense change (SIFT: "Tolerated"; PolyPhen-2: "Possibly Damaging"; Align-GVGD: "Class C0"). This variant has not been reported in the literature in individuals affected with BBS4-related conditions. This sequence change replaces phenylalanine, which is neutral and non-polar, with tyrosine, which is neutral and polar, at codon 333 of the BBS4 protein (p.Phe333Tyr). This variant is not present in population databases (gnomAD no frequency).

NM_033028.5(BBS4):c.998T>A (p.Phe333Tyr)

Gene: BBS4 (Bardet-Biedl syndrome 4; plus strand). Cytogenetic location: 15q24.1.
Variant type: single nucleotide variant.
Coding change: c.998T>A on transcript NM_033028.5 (MANE Select); coding-DNA position 998, T replaced by A.
Protein change: p.Phe333Tyr; replaces phenylalanine 333 with tyrosine.
Molecular consequence: missense variant. On other transcripts: non-coding transcript variant (2).
Genome position (GRCh38, 1-based): chr15:72,731,688, T>A. VCF-style: chr15-72731688-T-A. GRCh37 (hg19) VCF-style: chr15-73024029-T-A.
Other names: c.482T>A, p.Phe161Tyr (NM_001252678.2); c.929T>A, p.Phe310Tyr (NM_001320665.2); short protein forms F161Y, F310Y, F333Y.
Identifiers: ClinVar variation 1995899 (VCV001995899.4), dbSNP rs2542998968, ClinGen allele CA393079012.